The following is an entry in ClinVar:

ClinVar aggregate classification (germline): Uncertain significance (1 of 4 stars; one submission).

Submission:

GeneDx
Classification: Uncertain significance. Last evaluated: 2025-02-19. Review status: criteria provided, single submitter. Criteria: GeneDx Variant Classification Process June 2021. Collection method: clinical testing. Allele origin: germline. Affected: yes.
Comment: Not observed at significant frequency in large population cohorts (gnomAD); In silico analysis indicates that this missense variant does not alter protein structure/function; Has not been previously published as pathogenic or benign to our knowledge

NM_182931.3(KMT2E):c.4906C>T (p.Pro1636Ser)

Gene: KMT2E (lysine methyltransferase 2E (inactive); plus strand). Cytogenetic location: 7q22.3.
Variant type: single nucleotide variant.
Coding change: c.4906C>T on transcript NM_182931.3 (MANE Select); coding-DNA position 4906, C replaced by T.
Protein change: p.Pro1636Ser; replaces proline 1636 with serine.
Molecular consequence: missense variant.
Genome position (GRCh38, 1-based): chr7:105,112,662, C>T. VCF-style: chr7-105112662-C-T. GRCh37 (hg19) VCF-style: chr7-104753109-C-T.
Other names: c.4780C>T, p.Pro1594Ser (NM_001410908.1); c.4906C>T, p.Pro1636Ser (NM_018682.4); short protein forms P1594S, P1636S.
Identifiers: ClinVar variation 4076721 (VCV004076721.1).
Genomic context (GRCh38, chr7:105,112,662, plus strand): 5'-ACCATTCACCATCAAACTGCTGCTGCCGTAGTCCCCCCTCCTCCTCCACCACCACCTGCT[C>T]CAGGACCGCACCTTGTACAACAGCCGAATTCCCATCAGCAACACTCTGTAGCACATGTAG-3'
Protein context (NP_891847.1, residues 1626-1646): VPPPPPPPPA[Pro1636Ser]GPHLVQQPNS